The following is an entry in ClinVar:

ClinVar aggregate classification (germline): Likely benign (1 of 4 stars; one submission).

Allele frequency attached by ClinVar (database versions not stated): ESP Exome Variant Server 0.00023; gnomAD exomes 0.00032; TOPMed 0.00035; gnomAD 0.00039; ExAC 0.00045; 1000 Genomes Project 30x 0.00094; 1000 Genomes Project 0.00120.
gnomAD v4.1: 518 of 1,608,414 alleles (0.032%); highest among the groups gnomAD compares: South Asian, 0.21%; 4 homozygotes.

Submission:

CeGaT Center for Human Genetics Tuebingen
Classification: Likely benign. Last evaluated: 2022-07-01. Review status: criteria provided, single submitter. Criteria: CeGaT Center For Human Genetics Tuebingen Variant Classification Criteria Version 2. Collection method: clinical testing. Allele origin: germline. Affected: yes. Observed: 1 variant allele.
Comment: CAPN15: BP4, BP7

NM_005632.3(CAPN15):c.2283C>T (p.Gly761=)

Gene: CAPN15 (calpain 15; plus strand). Cytogenetic location: 16p13.3.
Variant type: single nucleotide variant.
Coding change: c.2283C>T on transcript NM_005632.3 (MANE Select); coding-DNA position 2283, C replaced by T.
Protein change: p.Gly761=; no amino-acid change (glycine 761 retained).
Molecular consequence: synonymous variant.
Genome position (GRCh38, 1-based): chr16:551,602, C>T. VCF-style: chr16-551602-C-T. GRCh37 (hg19) VCF-style: chr16-601602-C-T.
Identifiers: ClinVar variation 2645809 (VCV002645809.24), dbSNP rs143386541, ClinGen allele CA7778654.
Genomic context (GRCh38, chr16:551,602, plus strand): 5'-TTTCTCCTGGAACGGCAGCTGGTCCGACGAGTGGCCACACTGGCCGGGGCACCTGCGTGG[C>T]GAGCTCATGCCGCACGGCAGCAGTGAGGGTGTCTTCTGGATGGAGTACGGCGACTTTGTC-3'
Protein context (NP_005623.1, residues 751-771): EWPHWPGHLR[Gly761=]ELMPHGSSEG